The following is an entry in ClinVar:

NM_003074.4(SMARCC1):c.729G>A (p.Trp243Ter)

Gene: SMARCC1 (SWI/SNF related BAF chromatin remodeling complex subunit C1; minus strand). Cytogenetic location: 3p21.31.
Variant type: single nucleotide variant.
Coding change: c.729G>A on transcript NM_003074.4 (MANE Select); coding-DNA position 729, G replaced by A.
Protein change: p.Trp243Ter; replaces tryptophan 243 with a stop codon.
Molecular consequence: nonsense.
Genome position (GRCh38, 1-based): chr3:47,714,478, C>T on the plus strand (G>A on the coding strand, the complement: SMARCC1 is on the minus strand). VCF-style: chr3-47714478-C-T. GRCh37 (hg19) VCF-style: chr3-47755968-C-T.
Other names: short protein forms W243*.
Identifiers: ClinVar variation 5001940 (VCV005001940.1).

ClinVar aggregate classification (germline): Likely pathogenic (1 of 4 stars; one submission).

Conditions:
SMARCC1-related disorder. Also called: SMARCC1-related condition.

Submission:

PreventionGenetics, part of Exact Sciences
Classification: Likely pathogenic for SMARCC1-related condition. Last evaluated: 2025-05-01. Review status: criteria provided, single submitter. Criteria: ACMG Guidelines, 2015. Collection method: clinical testing. Allele origin: germline.
Comment: The SMARCC1 c.729G>A variant is predicted to result in premature protein termination (p.Trp243*). To our knowledge, this variant has not been reported in the literature or in a large population database (gnomAD), indicating this variant is rare. Nonsense and other loss of function variants in SMARCC1 are expected to be pathogenic, though are noted to have incomplete penetrance (Furey et al. 2018. PubMed ID: 29983323; Rive Le Gouard et al. 2023. PubMed ID: 37285932; Hourvitz et al. 2023. PubMed ID: 37639281). This variant is interpreted as likely pathogenic.